The following is an entry in ClinVar:

ClinVar aggregate classification (germline): Uncertain significance (1 of 4 stars; one submission).

Conditions:
Brugada syndrome 8 (BRGDA8). Identifiers: Orphanet 130, MedGen C2751083, MONDO:0013148, OMIM 613123.

Allele frequency attached by ClinVar (database versions not stated): gnomAD exomes 0.00004 and 0.00001; TOPMed 0.00005; gnomAD 0.00009 and 0.00010.

Submission:

Labcorp Genetics (formerly Invitae), Labcorp
Classification: Uncertain significance for Brugada syndrome 8. Last evaluated: 2017-10-03. Review status: criteria provided, single submitter. Criteria: Invitae Variant Classification Sherloc (09022015). Collection method: clinical testing. Allele origin: germline.
Comment: This variant has not been reported in the literature in individuals with HCN4-related disease. While this variant is not present in population databases, the frequency information is unreliable, as metrics indicate poor data quality at this position in the ExAC database. This sequence change replaces leucine with proline at codon 1118 of the HCN4 protein (p.Leu1118Pro). The leucine residue is moderately conserved and there is a moderate physicochemical difference between leucine and proline. Algorithms developed to predict the effect of missense changes on protein structure and function output the following: SIFT: "Tolerated"; PolyPhen-2: "Benign"; Align-GVGD: "Class C0". The proline amino acid residue is found in multiple mammalian species, suggesting that this missense change does not adversely affect protein function. These predictions have not been confirmed by published functional studies and their clinical significance is uncertain. In summary, the available evidence is currently insufficient to determine the role of this variant in disease. Therefore, it has been classified as a Variant of Uncertain Significance.

NM_005477.3(HCN4):c.3353T>C (p.Leu1118Pro)

Gene: HCN4 (hyperpolarization activated cyclic nucleotide gated potassium channel 4; minus strand). Cytogenetic location: 15q24.1.
Variant type: single nucleotide variant.
Coding change: c.3353T>C on transcript NM_005477.3 (MANE Select); coding-DNA position 3353, T replaced by C.
Protein change: p.Leu1118Pro; replaces leucine 1118 with proline.
Molecular consequence: missense variant.
Genome position (GRCh38, 1-based): chr15:73,322,740, A>G on the plus strand (T>C on the coding strand, the complement: HCN4 is on the minus strand). VCF-style: chr15-73322740-A-G. GRCh37 (hg19) VCF-style: chr15-73615081-A-G.
Other names: short protein forms L1118P.
Identifiers: ClinVar variation 538089 (VCV000538089.8), dbSNP rs1165134160, ClinGen allele CA393085496.